The following is an entry in ClinVar:

ClinVar aggregate classification (germline): Likely pathogenic (3 of 4 stars; one submission).

Conditions:
Glanzmann thrombasthenia. Also called: BLEEDING DISORDER, PLATELET-TYPE, 2; THROMBASTHENIA OF GLANZMANN AND NAEGELI; PLATELET GLYCOPROTEIN IIb-IIIa DEFICIENCY; Glanzmann's thrombasthenia; Thrombasthenia. Identifiers: Orphanet 849, MedGen C0040015, MONDO:0100326.

Submission:

ClinGen Platelet Disorders Variant Curation Expert Panel, ClinGen
Classification: Likely pathogenic for Glanzmann thrombasthenia. Last evaluated: 2023-10-17. Review status: reviewed by expert panel. Criteria: ClinGen Platelet ACMG Specifications v2-1. Collection method: curation. Allele origin: germline. Inheritance: Autosomal recessive inheritance.
Comment: The NM_000419.4:c.527C>T (p.Pro176Leu) variant has been reported (PMID: 1060770) in at least one compound heterozygous (with pathogenic variant c.1545-1del) proband with a phenotype highly specific to GT (PP4_Moderate, PM3_supporting). It is absent from gnomADv2.1.1 )PM2_supporting0 and multiple lines of computational evidence support a deleterious effect (REVEL score of 0.855; PP3). The pathogenic variant Pro176Ala occurs at the same amino acid residue (PM5). In summary, this variant meets criteria to be classified as likely pathogenic for GT. GT-specific criteria applied: PM2_Supporting, PM3_Supporting, PM5, PP3, and PP4_Moderate.

NM_000419.5(ITGA2B):c.527C>T (p.Pro176Leu)

Gene: ITGA2B (integrin subunit alpha 2b; minus strand). Cytogenetic location: 17q21.31.
Variant type: single nucleotide variant.
Coding change: c.527C>T on transcript NM_000419.5 (MANE Select); coding-DNA position 527, C replaced by T.
Protein change: p.Pro176Leu; replaces proline 176 with leucine.
Molecular consequence: missense variant.
Genome position (GRCh38, 1-based): chr17:44,385,598, G>A on the plus strand (C>T on the coding strand, the complement: ITGA2B is on the minus strand). VCF-style: chr17-44385598-G-A. GRCh37 (hg19) VCF-style: chr17-42462966-G-A.
Other names: short protein forms P176L.
Identifiers: ClinVar variation 953018 (VCV000953018.4), dbSNP rs148327798, ClinGen allele CA399805789.